The following is an entry in ClinVar:

NM_000116.5(TAFAZZIN):c.455A>G (p.Glu152Gly)

Gene: TAFAZZIN (tafazzin, phospholipid-lysophospholipid transacylase; plus strand). Cytogenetic location: Xq28.
Variant type: single nucleotide variant.
Coding change: c.455A>G on transcript NM_000116.5 (MANE Select); coding-DNA position 455, A replaced by G.
Protein change: p.Glu152Gly; replaces glutamic acid 152 with glycine.
Molecular consequence: missense variant. On other transcripts: intron variant (5).
Genome position (GRCh38, 1-based): chrX:154,414,185, A>G. VCF-style: chrX-154414185-A-G. GRCh37 (hg19) VCF-style: chrX-153642522-A-G.
Other names: c.509A>G, p.Glu170Gly (NM_001303465.2, NM_001440856.1); c.455A>G, p.Glu152Gly (NM_181312.4); c.424+618A>G (NM_001410698.1, NM_001440857.1); c.370+618A>G (NM_181311.4, NM_181313.4, NM_001440858.1); short protein forms E170G, E152G.
Identifiers: ClinVar variation 4992595 (VCV004992595.1).

ClinVar aggregate classification (germline): Uncertain significance (1 of 4 stars; one submission).

Conditions:
TAFAZZIN-related disorder. Also called: TAFAZZIN-Related Disorders; TAFAZZIN-related condition.

Submission:

PreventionGenetics, part of Exact Sciences
Classification: Uncertain significance for TAFAZZIN-related condition. Last evaluated: 2026-09-01. Review status: criteria provided, single submitter. Criteria: ACMG Guidelines, 2015. Collection method: clinical testing. Allele origin: germline.
Comment: The TAFAZZIN c.455A>G variant is predicted to result in the amino acid substitution p.Glu152Gly. To our knowledge, this variant has not been reported in the literature or in a large population database (gnomAD), indicating this variant is rare. At this time, the clinical significance of this variant is uncertain due to the absence of conclusive functional and genetic evidence.